The following is an entry in ClinVar:

ClinVar aggregate classification (germline): Uncertain significance (1 of 4 stars; one submission).

Conditions:
Rhabdoid tumor predisposition syndrome 2 (RTPS2). Identifiers: Orphanet 231108, Orphanet 69077, MedGen C2750074, MONDO:0013224, OMIM 613325.

Submission:

Labcorp Genetics (formerly Invitae), Labcorp
Classification: Uncertain significance for Rhabdoid tumor predisposition syndrome 2. Last evaluated: 2020-11-03. Review status: criteria provided, single submitter. Criteria: Invitae Variant Classification Sherloc (09022015). Collection method: clinical testing. Allele origin: germline.
Comment: This variant has not been reported in the literature in individuals with SMARCA4-related conditions. In summary, the available evidence is currently insufficient to determine the role of this variant in disease. Therefore, it has been classified as a Variant of Uncertain Significance. Algorithms developed to predict the effect of missense changes on protein structure and function (SIFT, PolyPhen-2, Align-GVGD) all suggest that this variant is likely to be tolerated, but these predictions have not been confirmed by published functional studies and their clinical significance is uncertain. This variant is not present in population databases (ExAC no frequency). This sequence change replaces lysine with arginine at codon 578 of the SMARCA4 protein (p.Lys578Arg). The lysine residue is moderately conserved and there is a small physicochemical difference between lysine and arginine.

NM_003072.5(SMARCA4):c.1733A>G (p.Lys578Arg)

Gene: SMARCA4 (SWI/SNF related BAF chromatin remodeling complex subunit ATPase 4; plus strand). Cytogenetic location: 19p13.2.
Variant type: single nucleotide variant.
Coding change: c.1733A>G on transcript NM_003072.5 (MANE Select); coding-DNA position 1733, A replaced by G.
Protein change: p.Lys578Arg; replaces lysine 578 with arginine.
Molecular consequence: missense variant. On other transcripts: non-coding transcript variant (1).
Genome position (GRCh38, 1-based): chr19:10,996,352, A>G. VCF-style: chr19-10996352-A-G. GRCh37 (hg19) VCF-style: chr19-11107028-A-G.
Other names: c.1733A>G, p.Lys578Arg (NM_001128844.3, NM_001128845.2, NM_001128846.2 and 5 more transcripts); short protein forms K578R.
Identifiers: ClinVar variation 1470720 (VCV001470720.8), dbSNP rs2145973682, ClinGen allele CA404064537.